The following is an entry in ClinVar:

NM_015272.5(RPGRIP1L):c.3901G>A (p.Ala1301Thr)

Gene: RPGRIP1L (RPGRIP1 like; minus strand). Cytogenetic location: 16q12.2.
Variant type: single nucleotide variant.
Coding change: c.3901G>A on transcript NM_015272.5 (MANE Select); coding-DNA position 3901, G replaced by A.
Protein change: p.Ala1301Thr; replaces alanine 1301 with threonine.
Molecular consequence: missense variant.
Genome position (GRCh38, 1-based): chr16:53,602,123, C>T on the plus strand (G>A on the coding strand, the complement: RPGRIP1L is on the minus strand). VCF-style: chr16-53602123-C-T. GRCh37 (hg19) VCF-style: chr16-53636035-C-T.
Other names: c.3901G>A (NM_015272.2, NM_015272.4); c.3661G>A, p.Ala1221Thr (NM_001127897.4); c.3763G>A, p.Ala1255Thr (NM_001308334.3); c.3799G>A, p.Ala1267Thr (NM_001330538.2); short protein forms A1255T, A1267T, A1221T, A1301T.
Identifiers: ClinVar variation 2054306 (VCV002054306.6), dbSNP rs1446259139, ClinGen allele CA395918812.

ClinVar aggregate classification (germline): Uncertain significance. Review status: criteria provided, multiple submitters, no conflicts (2 of 4 stars). 3 submissions from 3 submitters: Uncertain significance (2). 1 of the submissions does not count toward it. Last evaluated 2025-04-15.

Conditions:
RPGRIP1L-related disorder. Also called: RPGRIP1L-related condition; RPGRIP1L-related disorders. Identifiers: MedGen CN239416.
Meckel-Gruber syndrome. Also called: Dysencephalia splachnocystica; DYSENCEPHALIA SPLANCHNOCYSTICA; GRUBER SYNDROME. Identifiers: Orphanet 564, MedGen C0265215, MONDO:0018921.
Joubert syndrome. Also called: Familial aplasia of the vermis; JOUBERT-BOLTSHAUSER SYNDROME. Identifiers: Orphanet 475, MedGen C5979921, MONDO:0018772.
Inborn genetic diseases. Identifiers: MedGen C0950123, MeSH D030342.

Allele frequency attached by ClinVar (database versions not stated): gnomAD exomes below 0.00001; gnomAD 0.00001; TOPMed 0.00001.
gnomAD v4.1: 3 of 1,613,840 alleles (0.00019%); highest among the groups gnomAD compares: African/African-American, 0.004%; no homozygotes.

Submissions (3):

Ambry Genetics
Classification: Uncertain significance for Inborn genetic diseases. Last evaluated: 2025-04-15. Review status: criteria provided, single submitter. Criteria: Ambry Variant Classification Scheme 2023. Collection method: clinical testing. Allele origin: germline.

Labcorp Genetics (formerly Invitae), Labcorp
Classification: Uncertain significance for Joubert syndrome; Meckel-Gruber syndrome. Last evaluated: 2022-03-19. Review status: criteria provided, single submitter. Criteria: Invitae Variant Classification Sherloc (09022015). Collection method: clinical testing. Allele origin: germline.
Comment: This sequence change replaces alanine, which is neutral and non-polar, with threonine, which is neutral and polar, at codon 1301 of the RPGRIP1L protein (p.Ala1301Thr). This variant is present in population databases (no rsID available, gnomAD 0.007%). In summary, the available evidence is currently insufficient to determine the role of this variant in disease. Therefore, it has been classified as a Variant of Uncertain Significance. Algorithms developed to predict the effect of missense changes on protein structure and function are either unavailable or do not agree on the potential impact of this missense change (SIFT: "Tolerated"; PolyPhen-2: "Probably Damaging"; Align-GVGD: "Class C0"). This variant has not been reported in the literature in individuals affected with RPGRIP1L-related conditions.

PreventionGenetics, part of Exact Sciences
Classification: Uncertain significance for RPGRIP1L-related condition. Last evaluated: 2024-01-10. Review status: no assertion criteria provided. Collection method: clinical testing. Allele origin: germline. Not counted in ClinVar's aggregate classification.
Comment: The RPGRIP1L c.3901G>A variant is predicted to result in the amino acid substitution p.Ala1301Thr. To our knowledge, this variant has not been reported in the literature. This variant is reported in 0.0062% of alleles in individuals of African descent in gnomAD. At this time, the clinical significance of this variant is uncertain due to the absence of conclusive functional and genetic evidence.